The following is an entry in ClinVar:

ClinVar aggregate classification (germline): Pathogenic/Likely pathogenic. Review status: criteria provided, multiple submitters, no conflicts (2 of 4 stars). 2 submissions from 2 submitters: Pathogenic (1); Likely pathogenic (1). Last evaluated 2024-09-18.

Conditions:
Bloom syndrome (BLM). Also called: Bloom-Torre-Machacek syndrome. Identifiers: Orphanet 125, MedGen C0005859, MONDO:0008876, OMIM 210900.

Submissions (2):

Natera, Inc.
Classification: Likely pathogenic for Bloom syndrome. Last evaluated: 2024-09-18. Review status: criteria provided, single submitter. Criteria: Natera Variant Classification Schema (03/2026). Collection method: clinical testing. Allele origin: germline.
Comment: The c.582delT variant in BLM is a frameshift variant predicted to shift the reading frame beginning at codon 194 and leads to a stop codon 11 codons downstream. This variant is expected to result in nonsense mediated decay, truncation, or a dysfunctional protein product. This variant is rare in the general population with a frequency below the threshold expected for the associated phenotype(s). Given the available evidence, this variant is classified as Likely Pathogenic.

Women's Health and Genetics/Laboratory Corporation of America, LabCorp
Classification: Pathogenic for Bloom syndrome. Last evaluated: 2022-12-12. Review status: criteria provided, single submitter. Criteria: LabCorp Variant Classification Summary - May 2015. Collection method: clinical testing. Allele origin: germline.
Comment: Variant summary: BLM c.582delT (p.Phe194LeufsX11) results in a premature termination codon, predicted to cause a truncation of the encoded protein or absence of the protein due to nonsense mediated decay, which are commonly known mechanisms for disease. Truncations downstream of this position have been classified as pathogenic by our laboratory. The variant was absent in 235032 control chromosomes. c.582delT has been reported in the literature in at least one homozygous individual affected with Bloom Syndrome (German_2007). These data indicate that the variant is likely to be associated with disease. To our knowledge, no experimental evidence demonstrating an impact on protein function has been reported. No clinical diagnostic laboratories have submitted clinical-significance assessments for this variant to ClinVar after 2014. Based on the evidence outlined above, the variant was classified as pathogenic.

Literature cited by the submitters: PubMed 17407155 (cited by Women's Health and Genetics/Laboratory Corporation of America, LabCorp).

NM_000057.4(BLM):c.582del (p.Phe194fs)

Gene: BLM (BLM RecQ like helicase; plus strand). Cytogenetic location: 15q26.1.
Variant type: Deletion.
Coding change: c.582del on transcript NM_000057.4 (MANE Select); coding-DNA position 582, one base deleted (T; older notation c.582delT).
Protein change: p.Phe194fs; shifts the reading frame from phenylalanine 194.
Molecular consequence: frameshift variant. On other transcripts: 5 prime UTR variant (1).
Genome position (GRCh38, 1-based): chr15:90,749,850, T deleted; the last of 6 consecutive T bases (chr15:90,749,845-90,749,850); deleting any one gives the same sequence. VCF-style (leftmost placement, unchanged base first): chr15-90749844-CT-C. GRCh37 (hg19) VCF-style: chr15-91293074-CT-C.
Other names: c.582del (LRG_20t1); c.582del, p.Phe194fs (NM_001287246.2, NM_001287247.2); c.-710del (NM_001287248.2); short protein forms F194fs.
Identifiers: ClinVar variation 1878278 (VCV001878278.2), dbSNP rs367543026, ClinGen allele CA344541.